The following is an entry in ClinVar:

ClinVar aggregate classification (germline): Uncertain significance (1 of 4 stars; one submission).

Allele frequency attached by ClinVar (database versions not stated): ExAC 0.00001.
gnomAD v4.1: 1 of 1,612,446 alleles (0.000062%); no homozygotes.

Submission:

Labcorp Genetics (formerly Invitae), Labcorp
Classification: Uncertain significance. Last evaluated: 2024-12-16. Review status: criteria provided, single submitter. Criteria: Invitae Variant Classification Sherloc (09022015). Collection method: clinical testing. Allele origin: germline.
Comment: This sequence change replaces lysine, which is basic and polar, with arginine, which is basic and polar, at codon 346 of the ACO2 protein (p.Lys346Arg). This variant is present in population databases (rs773402955, gnomAD 0.003%). This variant has not been reported in the literature in individuals affected with ACO2-related conditions. ClinVar contains an entry for this variant (Variation ID: 1717874). Invitae Evidence Modeling of protein sequence and biophysical properties (such as structural, functional, and spatial information, amino acid conservation, physicochemical variation, residue mobility, and thermodynamic stability) indicates that this missense variant is not expected to disrupt ACO2 protein function with a negative predictive value of 80%. In summary, the available evidence is currently insufficient to determine the role of this variant in disease. Therefore, it has been classified as a Variant of Uncertain Significance.

NM_001098.3(ACO2):c.1037A>G (p.Lys346Arg)

Gene: ACO2 (aconitase 2; plus strand). Cytogenetic location: 22q13.2.
Variant type: single nucleotide variant.
Coding change: c.1037A>G on transcript NM_001098.3 (MANE Select); coding-DNA position 1037, A replaced by G.
Protein change: p.Lys346Arg; replaces lysine 346 with arginine.
Molecular consequence: missense variant.
Genome position (GRCh38, 1-based): chr22:41,520,175, A>G. VCF-style: chr22-41520175-A-G. GRCh37 (hg19) VCF-style: chr22-41916179-A-G.
Other names: short protein forms K346R.
Identifiers: ClinVar variation 1717874 (VCV001717874.5), dbSNP rs773402955, ClinGen allele CA10257555.